The following is an entry in ClinVar:

ClinVar aggregate classification (germline): Uncertain significance (1 of 4 stars; one submission).

gnomAD v4.1: 1 of 1,614,160 alleles (0.000062%); highest among the groups gnomAD compares: Non-Finnish European, 0.000085%; no homozygotes.

Submission:

Ambry Genetics
Classification: Uncertain significance. Last evaluated: 2022-03-06. Review status: criteria provided, single submitter. Criteria: Ambry Variant Classification Scheme 2023. Collection method: clinical testing. Allele origin: germline.
Comment: The p.S1073T variant (also known as c.3218G>C), located in coding exon 26 of the A2ML1 gene, results from a G to C substitution at nucleotide position 3218. The serine at codon 1073 is replaced by threonine, an amino acid with similar properties. This amino acid position is conserved. In addition, this alteration is predicted to be tolerated by in silico analysis. Since supporting evidence is limited at this time, the clinical significance of this alteration remains unclear.

NM_144670.6(A2ML1):c.3218G>C (p.Ser1073Thr)

Gene: A2ML1 (alpha-2-macroglobulin like 1; plus strand). Cytogenetic location: 12p13.31.
Variant type: single nucleotide variant.
Coding change: c.3218G>C on transcript NM_144670.6 (MANE Select); coding-DNA position 3218, G replaced by C.
Protein change: p.Ser1073Thr; replaces serine 1073 with threonine.
Molecular consequence: missense variant.
Genome position (GRCh38, 1-based): chr12:8,858,056, G>C. VCF-style: chr12-8858056-G-C. GRCh37 (hg19) VCF-style: chr12-9010652-G-C.
Other names: c.1745G>C, p.Ser582Thr (NM_001282424.3); short protein forms S1073T, S582T.
Identifiers: ClinVar variation 1729013 (VCV001729013.2), dbSNP rs745334410, ClinGen allele CA383838666.